The following is an entry in ClinVar:

NM_001365999.1(SZT2):c.14G>C (p.Arg5Pro)

Genes: SZT2 (SZT2 subunit of KICSTOR complex; plus strand), LOC129930379 (ATAC-STARR-seq lymphoblastoid silent region 783; plus strand). Cytogenetic location: 1p34.2.
Variant type: single nucleotide variant.
Coding change: c.14G>C on transcript NM_001365999.1 (MANE Select); coding-DNA position 14, G replaced by C.
Protein change: p.Arg5Pro; replaces arginine 5 with proline.
Molecular consequence: missense variant.
Genome position (GRCh38, 1-based): chr1:43,389,982, G>C. VCF-style: chr1-43389982-G-C. GRCh37 (hg19) VCF-style: chr1-43855653-G-C.
Other names: c.14G>C, p.Arg5Pro (NM_015284.4); c.14G>C (NM_015284.3); short protein forms R5P.
Identifiers: ClinVar variation 1423194 (VCV001423194.4), dbSNP rs528945377, ClinGen allele CA21616917.

ClinVar aggregate classification (germline): Uncertain significance. Review status: criteria provided, multiple submitters, no conflicts (2 of 4 stars). 2 submissions from 2 submitters: Uncertain significance (2). Last evaluated 2024-07-30.

Conditions:
Inborn genetic diseases. Identifiers: MedGen C0950123, MeSH D030342.

Allele frequency attached by ClinVar (database versions not stated): 1000 Genomes Project 30x 0.00016; 1000 Genomes Project 0.00020.

Submissions (2):

Ambry Genetics
Classification: Uncertain significance for Inborn genetic diseases. Last evaluated: 2024-07-30. Review status: criteria provided, single submitter. Criteria: Ambry Variant Classification Scheme 2023. Collection method: clinical testing. Allele origin: germline.

Labcorp Genetics (formerly Invitae), Labcorp
Classification: Uncertain significance. Last evaluated: 2022-08-31. Review status: criteria provided, single submitter. Criteria: Invitae Variant Classification Sherloc (09022015). Collection method: clinical testing. Allele origin: germline.
Comment: This sequence change replaces arginine, which is basic and polar, with proline, which is neutral and non-polar, at codon 5 of the SZT2 protein (p.Arg5Pro). This variant is not present in population databases (gnomAD no frequency). This variant has not been reported in the literature in individuals affected with SZT2-related conditions. ClinVar contains an entry for this variant (Variation ID: 1423194). Algorithms developed to predict the effect of missense changes on protein structure and function (SIFT, PolyPhen-2, Align-GVGD) all suggest that this variant is likely to be tolerated. In summary, the available evidence is currently insufficient to determine the role of this variant in disease. Therefore, it has been classified as a Variant of Uncertain Significance.